The following is an entry in ClinVar:

NM_022042.4(SLC26A1):c.1180G>A (p.Ala394Thr)

Genes: IDUA (alpha-L-iduronidase; plus strand), SLC26A1 (solute carrier family 26 member 1; minus strand). Cytogenetic location: 4p16.3.
Variant type: single nucleotide variant.
Coding change: c.1180G>A on transcript NM_022042.4 (MANE Select); coding-DNA position 1180, G replaced by A.
Protein change: p.Ala394Thr; replaces alanine 394 with threonine.
Molecular consequence: missense variant. On other transcripts: intron variant (2).
Genome position (GRCh38, 1-based): chr4:989,759, C>T on the plus strand (G>A on the coding strand, the complement: SLC26A1 is on the minus strand). VCF-style: chr4-989759-C-T. GRCh37 (hg19) VCF-style: chr4-983547-C-T.
Other names: c.1180G>A, p.Ala394Thr (NM_213613.4); c.576+1369G>A (NM_134425.4); c.299+1810C>T (NM_000203.5); c.1180G>A (NM_213613.2); short protein forms A394T.
Identifiers: ClinVar variation 1940540 (VCV001940540.6), dbSNP rs774214260, ClinGen allele CA2801445.
Genomic context (GRCh38, chr4:989,759, plus strand): 5'-GCTGTGTCCGGCAGCCAGTGGCTGTCTTCACCAGGCTCTTGGCCAGGGCGGCGCTGGTGG[C>T]GAAGCAGTGGAGGAAGGCGGGTAGCACGTTGCAGCAGCCCACAGCCAGCAGCTCCTGGTT-3'
Protein context (NP_071325.2, residues 384-404): NVLPAFLHCF[Ala394Thr]TSAALAKSLV

ClinVar aggregate classification (germline): Uncertain significance. Review status: criteria provided, multiple submitters, no conflicts (2 of 4 stars). 2 submissions from 2 submitters: Uncertain significance (2). Last evaluated 2025-06-10.

Conditions:
Inborn genetic diseases. Identifiers: MedGen C0950123, MeSH D030342.

Allele frequency attached by ClinVar (database versions not stated): gnomAD 0.00001; TOPMed 0.00002.
gnomAD v4.1: 15 of 1,558,616 alleles (0.00096%); highest among the groups gnomAD compares: Middle Eastern, 0.017%; no homozygotes.

Submissions (2):

Labcorp Genetics (formerly Invitae), Labcorp
Classification: Uncertain significance. Last evaluated: 2025-06-10. Review status: criteria provided, single submitter. Criteria: Invitae Variant Classification Sherloc (09022015). Collection method: clinical testing. Allele origin: germline.
Comment: This sequence change replaces alanine, which is neutral and non-polar, with threonine, which is neutral and polar, at codon 394 of the SLC26A1 protein (p.Ala394Thr). This variant is present in population databases (rs774214260, gnomAD 0.009%). This variant has not been reported in the literature in individuals affected with SLC26A1-related conditions. ClinVar contains an entry for this variant (Variation ID: 1940540). Invitae Evidence Modeling of protein sequence and biophysical properties (such as structural, functional, and spatial information, amino acid conservation, physicochemical variation, residue mobility, and thermodynamic stability) indicates that this missense variant is not expected to disrupt SLC26A1 protein function with a negative predictive value of 80%. In summary, the available evidence is currently insufficient to determine the role of this variant in disease. Therefore, it has been classified as a Variant of Uncertain Significance.

Ambry Genetics
Classification: Uncertain significance for Inborn genetic diseases. Last evaluated: 2024-11-09. Review status: criteria provided, single submitter. Criteria: Ambry Variant Classification Scheme 2023. Collection method: clinical testing. Allele origin: germline.